The following is an entry in ClinVar:

NM_000389.5(CDKN1A):c.462A>G (p.Lys154=)

Gene: CDKN1A (cyclin dependent kinase inhibitor 1A; plus strand). Cytogenetic location: 6p21.2.
Variant type: single nucleotide variant.
Coding change: c.462A>G on transcript NM_000389.5 (MANE Select); coding-DNA position 462, A replaced by G.
Protein change: p.Lys154=; no amino-acid change (lysine 154 retained).
Molecular consequence: synonymous variant. On other transcripts: 3 prime UTR variant (1).
Genome position (GRCh38, 1-based): chr6:36,685,767, A>G. VCF-style: chr6-36685767-A-G. GRCh37 (hg19) VCF-style: chr6-36653544-A-G.
Other names: c.462A>G, p.Lys154= (NM_001220777.2, NM_001220778.2, NM_001374513.1 and 1 more transcripts); c.564A>G, p.Lys188= (NM_001291549.3, NM_001374509.1); c.501A>G, p.Lys167= (NM_001374510.1); c.561A>G, p.Lys187= (NM_001374511.1); c.*257A>G (NM_001374512.1).
Identifiers: ClinVar variation 2656519 (VCV002656519.24), dbSNP rs781057608, ClinGen allele CA3780437.

ClinVar aggregate classification (germline): Likely benign (1 of 4 stars; one submission).

Allele frequency attached by ClinVar (database versions not stated): ExAC 0.00001; gnomAD exomes 0.00001.
gnomAD v4.1: 15 of 1,613,932 alleles (0.00093%); highest among the groups gnomAD compares: Non-Finnish European, 0.0013%; no homozygotes.

Submission:

CeGaT Center for Human Genetics Tuebingen
Classification: Likely benign. Last evaluated: 2026-04-01. Review status: criteria provided, single submitter. Criteria: CeGaT Center For Human Genetics Tuebingen Variant Classification Criteria Version 2. Collection method: clinical testing. Allele origin: germline. Affected: yes. Observed: 2 variant alleles.
Comment: CDKN1A: BP4, BP7